The following is an entry in ClinVar:

ClinVar aggregate classification (germline): Likely benign. Review status: criteria provided, multiple submitters, no conflicts (2 of 4 stars). 2 submissions from 2 submitters: Likely benign (2). Last evaluated 2026-06-01.

Allele frequency attached by ClinVar (database versions not stated): ExAC 0.00041; gnomAD exomes 0.00041 and 0.00069; TOPMed 0.00041; gnomAD 0.00045 and 0.00046.
gnomAD v4.1: 1,031 of 1,543,828 alleles (0.067%); highest among the groups gnomAD compares: Non-Finnish European, 0.083%; 2 homozygotes.

Submissions (2):

CeGaT Center for Human Genetics Tuebingen
Classification: Likely benign. Last evaluated: 2026-06-01. Review status: criteria provided, single submitter. Criteria: CeGaT Center For Human Genetics Tuebingen Variant Classification Criteria Version 2. Collection method: clinical testing. Allele origin: germline. Affected: yes. Observed: 1 variant allele.
Comment: FOXI3: BP4, BS1

Labcorp Genetics (formerly Invitae), Labcorp
Classification: Likely benign. Last evaluated: 2026-02-01. Review status: criteria provided, single submitter. Criteria: Invitae Variant Classification Sherloc (09022015). Collection method: clinical testing. Allele origin: germline.

NM_001135649.3(FOXI3):c.641-8C>T

Gene: FOXI3 (forkhead box I3; minus strand). Cytogenetic location: 2p11.2.
Variant type: single nucleotide variant.
Coding change: c.641-8C>T on transcript NM_001135649.3 (MANE Select); 8 bases into the intron before coding-DNA position 641, C replaced by T.
Molecular consequence: intron variant.
Genome position (GRCh38, 1-based): chr2:88,448,837, G>A on the plus strand (C>T on the coding strand, the complement: FOXI3 is on the minus strand). VCF-style: chr2-88448837-G-A. GRCh37 (hg19) VCF-style: chr2-88748356-G-A.
Identifiers: ClinVar variation 1134077 (VCV001134077.11), dbSNP rs187343162, ClinGen allele CA1754004.